The following is an entry in ClinVar:

NM_004360.5(CDH1):c.1744C>T (p.Leu582=)

Gene: CDH1 (cadherin 1; plus strand). Cytogenetic location: 16q22.1.
Variant type: single nucleotide variant.
Coding change: c.1744C>T on transcript NM_004360.5 (MANE Select); coding-DNA position 1744, C replaced by T.
Protein change: p.Leu582=; no amino-acid change (leucine 582 retained).
Molecular consequence: synonymous variant. On other transcripts: 5 prime UTR variant (1).
Genome position (GRCh38, 1-based): chr16:68,822,033, C>T. VCF-style: chr16-68822033-C-T. GRCh37 (hg19) VCF-style: chr16-68855936-C-T.
Other names: p.L582L:CTG>TTG; p.Leu582=; c.1561C>T, p.Leu521= (NM_001317184.2); c.196C>T, p.Leu66= (NM_001317185.2); c.-222C>T (NM_001317186.2); c.1744C>T (LRG_301t1).
Identifiers: ClinVar variation 136698 (VCV000136698.54), dbSNP rs1801025, ClinGen allele CA290012.

ClinVar aggregate classification (germline): Benign/Likely benign. Review status: criteria provided, multiple submitters, no conflicts (2 of 4 stars). 24 submissions from 24 submitters: Benign (8); Likely benign (9). 7 of the submissions do not count toward it. Last evaluated 2026-02-03.

Conditions:
Hereditary cancer-predisposing syndrome. Also called: Tumor predisposition; Hereditary neoplastic syndrome; Neoplastic Syndromes, Hereditary; Hereditary Cancer Syndrome. Identifiers: Orphanet 140162, MedGen C0027672, MeSH D009386, MONDO:0015356.
Breast and/or ovarian cancer. Identifiers: MedGen CN221562.
Hereditary diffuse gastric adenocarcinoma (HDGC). Also called: DIFFUSE GASTRIC AND LOBULAR BREAST CANCER SYNDROME. Identifiers: Orphanet 26106, MedGen C1708349, MONDO:0007648, OMIM 137215.
Malignant tumor of breast. Also called: Malignant breast neoplasm; Cancer breast. Identifiers: MedGen C0006142, MONDO:0007254. Disease mechanism: loss of function.

Allele frequency attached by ClinVar (database versions not stated): 1000 Genomes Project 30x 0.00016; 1000 Genomes Project 0.00020; ExAC 0.00030; ESP Exome Variant Server 0.00031; gnomAD exomes 0.00036 and 0.00097; TOPMed 0.00041; gnomAD 0.00043 and 0.00045.
gnomAD v4.1: 1,460 of 1,614,154 alleles (0.09%); highest among the groups gnomAD compares: Non-Finnish European, 0.12%; 1 homozygote.

Submissions (24):

Labcorp Genetics (formerly Invitae), Labcorp
Classification: Benign for Hereditary diffuse gastric adenocarcinoma. Last evaluated: 2026-02-03. Review status: criteria provided, single submitter. Criteria: Invitae Variant Classification Sherloc (09022015). Collection method: clinical testing. Allele origin: germline.

Mayo Clinic Laboratories, Mayo Clinic
Classification: Likely benign. Last evaluated: 2025-09-16. Review status: criteria provided, single submitter. Criteria: ACMG Guidelines, 2015. Collection method: clinical testing. Allele origin: germline. Observed: 4 variant alleles.
Comment: BP4, BP7

Center for Genomic Medicine, Rigshospitalet, Copenhagen University Hospital
Classification: Likely benign. Last evaluated: 2025-03-04. Review status: criteria provided, single submitter. Criteria: ACMG Guidelines, 2015. Collection method: clinical testing. Allele origin: germline.

Blueprint Genetics
Classification: Likely benign. Last evaluated: 2024-10-02. Review status: criteria provided, single submitter. Criteria: ACMG Guidelines, 2015. Collection method: clinical testing. Allele origin: germline.

Myriad Genetics, Inc.
Classification: Benign for Hereditary diffuse gastric adenocarcinoma. Last evaluated: 2024-09-19. Review status: criteria provided, single submitter. Criteria: Myriad Autosomal Dominant, Autosomal Recessive and X-Linked Classification Criteria (2023). Collection method: clinical testing. Allele origin: unknown.
Comment: This variant is considered benign. This variant is a silent/synonymous amino acid change and it is not expected to impact splicing.

European Reference Network on Genetic Tumour Risk Syndromes (ERN-GENTURIS), i3s - Instituto de Investigação e Inovação em Saúde, University of Porto
Classification: Likely benign for Hereditary diffuse gastric adenocarcinoma. Last evaluated: 2022-08-01. Review status: criteria provided, single submitter. Criteria: Lee et al. (Hum Mutat. 2018). Collection method: clinical testing. Allele origin: germline. Inheritance: Autosomal dominant inheritance. Affected: yes. Study: ERN GENTURIS.
Comment: BS2_Supporting; BP2; BP4; BP7 (PMID: 30311375)

Quest Diagnostics Nichols Institute San Juan Capistrano
Classification: Benign. Last evaluated: 2021-12-20. Review status: criteria provided, single submitter. Criteria: Quest Diagnostics criteria. Collection method: clinical testing. Allele origin: unknown.

Sema4
Classification: Benign for Hereditary cancer-predisposing syndrome. Last evaluated: 2021-04-13. Review status: criteria provided, single submitter. Criteria: Sema4 Curation Guidelines. Collection method: curation. Allele origin: germline.

CHEO Genetics Diagnostic Laboratory, Children's Hospital of Eastern Ontario
Classification: Likely benign for Breast and/or ovarian cancer. Last evaluated: 2019-05-14. Review status: criteria provided, single submitter. Criteria: ACMG Guidelines, 2015. Collection method: clinical testing. Allele origin: germline.

Illumina Laboratory Services, Illumina
Classification: Benign for Hereditary diffuse gastric adenocarcinoma. Last evaluated: 2018-01-12. Review status: criteria provided, single submitter. Criteria: ICSL Variant Classification Criteria 13 December 2019. Collection method: clinical testing. Allele origin: germline.
Comment: This variant was observed in the ICSL laboratory as part of a predisposition screen in an ostensibly healthy population. It had not been previously curated by ICSL or reported in the Human Gene Mutation Database (HGMD: prior to June 1st, 2018), and was therefore a candidate for classification through an automated scoring system. Utilizing variant allele frequency, disease prevalence and penetrance estimates, and inheritance mode, an automated score was calculated to assess if this variant is too frequent to cause the disease. Based on the score and internal cut-off values, a variant classified as benign is not then subjected to further curation. The score for this variant resulted in a classification of benign for this disease.

Women's Health and Genetics/Laboratory Corporation of America, LabCorp
Classification: Benign. Last evaluated: 2017-06-23. Review status: criteria provided, single submitter. Criteria: LabCorp Variant Classification Summary - May 2015. Collection method: clinical testing. Allele origin: germline.
Comment: Variant summary: The CDH1 c.1744C>T (p.Leu582Leu) variant involves the alteration of a non-conserved nucleotide, resulting in a synonymous change. 5/5 splice prediction tools predict no significant impact on normal splicing. ESE finder predicts that this variant eliminates ESE binding sites. This variant was found in 37/121410 control chromosomes, predominantly observed in the European (Non-Finnish) subpopulation at a frequency of 0.000494 (33/66740). This frequency is about 17 times the estimated maximal expected allele frequency of a pathogenic CDH1 variant (0.0000283), suggesting this is likely a benign polymorphism found primarily in the populations of European (Non-Finnish) origin. In addition, multiple clinical diagnostic laboratories/reputable databases classified this variant as benign. Taken together, this variant is classified as benign.

ARUP Laboratories, Molecular Genetics and Genomics, ARUP Laboratories
Classification: Benign. Last evaluated: 2017-05-09. Review status: criteria provided, single submitter. Criteria: ARUP Molecular Germline Variant Investigation Process. Collection method: clinical testing. Allele origin: germline.

PreventionGenetics, part of Exact Sciences
Classification: Likely benign. Last evaluated: 2017-04-28. Review status: criteria provided, single submitter. Criteria: ACMG Guidelines, 2015. Collection method: clinical testing. Allele origin: germline.

Genetic Services Laboratory, University of Chicago
Classification: Likely benign. Last evaluated: 2016-10-12. Review status: criteria provided, single submitter. Criteria: ACMG Guidelines, 2015. Collection method: clinical testing. Allele origin: germline. Affected: no.

Ambry Genetics
Classification: Likely benign for Hereditary cancer-predisposing syndrome. Last evaluated: 2016-06-08. Review status: criteria provided, single submitter. Criteria: Ambry Variant Classification Scheme 2023. Collection method: clinical testing. Allele origin: germline.

Color Diagnostics, LLC DBA Color Health
Classification: Likely benign for Hereditary cancer-predisposing syndrome. Last evaluated: 2015-06-15. Review status: criteria provided, single submitter. Criteria: ACMG Guidelines, 2015. Collection method: clinical testing. Allele origin: germline.

GeneDx
Classification: Benign. Last evaluated: 2014-04-01. Review status: criteria provided, single submitter. Criteria: GeneDx Variant Classification (06012015). Collection method: clinical testing. Allele origin: germline. Affected: yes.
Comment: This variant is considered likely benign or benign based on one or more of the following criteria: it is a conservative change, it occurs at a poorly conserved position in the protein, it is predicted to be benign by multiple in silico algorithms, and/or has population frequency not consistent with disease.

True Health Diagnostics
Classification: Likely benign for Hereditary cancer-predisposing syndrome. Last evaluated: 2018-01-12. Review status: no assertion criteria provided. Collection method: clinical testing. Allele origin: germline. Not counted in ClinVar's aggregate classification.

Clinical Genetics DNA and cytogenetics Diagnostics Lab, Erasmus MC, Erasmus Medical Center
Classification: Likely benign. Review status: no assertion criteria provided. Collection method: clinical testing. Allele origin: germline. Affected: yes. Study: VKGL Data-share Consensus. Not counted in ClinVar's aggregate classification.

Clinical Genetics, Academic Medical Center
Classification: Likely benign. Review status: no assertion criteria provided. Collection method: clinical testing. Allele origin: germline. Affected: yes. Study: VKGL Data-share Consensus. Not counted in ClinVar's aggregate classification.

Department of Pathology and Laboratory Medicine, Sinai Health System
Classification: Likely benign for Malignant tumor of breast. Review status: no assertion criteria provided. Collection method: clinical testing. Allele origin: unknown. Affected: yes. Study: The Canadian Open Genetics Repository (COGR). Not counted in ClinVar's aggregate classification.
Comment: The CDH1 p.Leu582= variant was identified in 3 of 1236 proband chromosomes (frequency: 0.002) from individuals or families with gastric adenocarcinoma and HDGC (Ascano 2001, van der Post 2015). The variant was also identified in dbSNP (ID: rs1801025) as With other allele, ClinVar (classified as benign by GeneDx, and Integrated Genetics/Laboratory Corporation of America; classified as likely benign by Ambry Genetics, Invitae, ARUP, Color Gnomics, and two clinical laboratories), and Clinvitae databases. The variant was not identified in Cosmic, MutDB, or Zhejiang University Database databases. The variant was identified in control databases in 99 of 277228 chromosomes at a frequency of 0.0004 (Genome Aggregation Database Feb 27, 2017). Breakdown of the observations by population include African in 5 of 24030 chromosomes (freq: 0.0002), European in 91 of 126714 chromosomes (freq: 0.001), Finnish in 3 of 25794 chromosomes (freq: 0.0001), while the variant was not observed in the Other, Latino, Ashkenazi Jewish, East Asian, and South Asian populations. The p.Leu582= variant is not expected to have clinical significance because it does not result in a change of amino acid and is not located in a known consensus splice site. In addition, in silico or computational prediction software programs (SpliceSiteFinder, MaxEntScan, NNSPLICE, GeneSplicer, HumanSpliceFinder) do not predict a difference in splicing. In summary, based on the above information the clinical significance of this variant cannot be determined with certainty at this time although we would lean towards a more benign role for this variant. This variant is classified as likely benign.

Diagnostic Laboratory, Department of Genetics, University Medical Center Groningen
Classification: Likely benign. Review status: no assertion criteria provided. Collection method: clinical testing. Allele origin: germline. Affected: yes. Study: VKGL Data-share Consensus. Not counted in ClinVar's aggregate classification.

Genome Diagnostics Laboratory, Amsterdam University Medical Center
Classification: Likely benign. Review status: no assertion criteria provided. Collection method: clinical testing. Allele origin: germline. Affected: yes. Study: VKGL Data-share Consensus. Not counted in ClinVar's aggregate classification.

Joint Genome Diagnostic Labs from Nijmegen and Maastricht, Radboudumc and MUMC+
Classification: Likely benign. Review status: no assertion criteria provided. Collection method: clinical testing. Allele origin: germline. Affected: yes. Study: VKGL Data-share Consensus. Not counted in ClinVar's aggregate classification.

Literature cited by the submitters: PubMed 36436516 (cited by European Reference Network on Genetic Tumour Risk Syndromes (ERN-GENTURIS), i3s - Instituto de Investigação e Inovação em Saúde, University of Porto); PubMed 11598162 (cited by Women's Health and Genetics/Laboratory Corporation of America, LabCorp).